The following is an entry in ClinVar:

ClinVar aggregate classification (germline): Uncertain significance. Review status: criteria provided, multiple submitters, no conflicts (2 of 4 stars). 4 submissions from 4 submitters: Uncertain significance (4). Last evaluated 2023-08-02.

Conditions:
Primary familial hypertrophic cardiomyopathy (HCM). Identifiers: Orphanet 99739, MedGen C0949658, MeSH D024741, MONDO:0024573. Inheritance: Various modes of inheritance.
Dilated cardiomyopathy 1AA (CMD1AA). Also called: Cardiomyopathy, dilated, 1AA, with or without LVNC; CARDIOMYOPATHY, FAMILIAL HYPERTROPHIC, 23, WITH OR WITHOUT LEFT VENTRICULAR NONCOMPACTION; CARDIOMYOPATHY, DILATED, 1AA, WITH OR WITHOUT LEFT VENTRICULAR NONCOMPACTION. Identifiers: Orphanet 154, MedGen C2677338, MONDO:0012808, OMIM 612158.
Cardiomyopathy (CMYO). Also called: Cardiomyopathies. Identifiers: Orphanet 167848, MedGen C0878544, MONDO:0004994, HP:0001638. Inheritance: Various modes of inheritance.
Cardiovascular phenotype. Identifiers: MedGen CN230736.

Allele frequency attached by ClinVar (database versions not stated): gnomAD exomes below 0.00001; gnomAD 0.00001; TOPMed 0.00001.

Submissions (4):

Ambry Genetics
Classification: Uncertain significance for Cardiovascular phenotype. Last evaluated: 2023-08-02. Review status: criteria provided, single submitter. Criteria: Ambry Variant Classification Scheme 2023. Collection method: clinical testing. Allele origin: germline.

CHEO Genetics Diagnostic Laboratory, Children's Hospital of Eastern Ontario
Classification: Uncertain significance for Cardiomyopathy. Last evaluated: 2019-11-04. Review status: criteria provided, single submitter. Criteria: ACMG Guidelines, 2015. Collection method: clinical testing. Allele origin: germline.

Labcorp Genetics (formerly Invitae), Labcorp
Classification: Uncertain significance for Primary familial hypertrophic cardiomyopathy; Dilated cardiomyopathy 1AA. Last evaluated: 2017-06-12. Review status: criteria provided, single submitter. Criteria: Invitae Variant Classification Sherloc (09022015). Collection method: clinical testing. Allele origin: germline.
Comment: This sequence change replaces glycine with serine at codon 7 of the ACTN2 protein (p.Gly7Ser). The glycine residue is moderately conserved and there is a small physicochemical difference between glycine and serine. This variant is not present in population databases (ExAC no frequency). This variant has not been reported in the literature in individuals with a ACTN2-related disease. ClinVar contains an entry for this variant (Variation ID: 390314). Algorithms developed to predict the effect of missense changes on protein structure and function (SIFT, PolyPhen-2, Align-GVGD) all suggest that this variant is likely to be tolerated, but these predictions have not been confirmed by published functional studies and their clinical significance is uncertain. In summary, this variant has uncertain impact on ACTN2 function. The available evidence is currently insufficient to determine its role in disease. Therefore, it has been classified as a Variant of Uncertain Significance.

GeneDx
Classification: Uncertain significance. Last evaluated: 2016-10-28. Review status: criteria provided, single submitter. Criteria: GeneDx Variant Classification (06012015). Collection method: clinical testing. Allele origin: germline. Affected: yes.
Comment: A variant of uncertain significance has been identified in the ACTN2 gene. The G7S variant has not been published as a pathogenic variant, nor has it been reported as a benign variant to our knowledge. This variant was not observed in approximately 6,500 individuals of European and African American ancestry in the NHLBI Exome Sequencing Project, indicating it is not a common benign variant in these populations. The G7S variant is a non-conservative amino acid substitution, which is likely to impact secondary protein structure as these residues differ in polarity, charge, size and/or other properties. However, this substitution occurs at a position that is only conserved through mammals and where Serine is the wild type in two non-mammalian species. Finally, in silico analysis predicts this variant likely does not alter the protein structure/function. Therefore, based on the currently available information, it is unclear whether this variant is pathogenic or rare benign.

NM_001103.4(ACTN2):c.19G>A (p.Gly7Ser)

Gene: ACTN2 (actinin alpha 2; plus strand). Cytogenetic location: 1q43.
Variant type: single nucleotide variant.
Coding change: c.19G>A on transcript NM_001103.4 (MANE Select); coding-DNA position 19, G replaced by A.
Protein change: p.Gly7Ser; replaces glycine 7 with serine.
Molecular consequence: missense variant. On other transcripts: 5 prime UTR variant (1).
Genome position (GRCh38, 1-based): chr1:236,686,692, G>A. VCF-style: chr1-236686692-G-A. GRCh37 (hg19) VCF-style: chr1-236849992-G-A.
Other names: c.19G>A, p.Gly7Ser (NM_001278343.2); c.-803G>A (NM_001278344.2); short protein forms G7S.
Identifiers: ClinVar variation 390314 (VCV000390314.6), dbSNP rs1057523721, ClinGen allele CA16603593.
Genomic context (GRCh38, chr1:236,686,692, plus strand): 5'-GAGCCCCTCGCGCCCCGCCGCAGCCCCGGCCAACCGAGCGCCATGAACCAGATAGAGCCC[G>A]GCGTGCAGTACAACTACGTGTACGACGAGGATGAGTACATGATCCAGGAGGAGGAGTGGG-3'
Protein context (NP_001094.1, residues 1-17): MNQIEP[Gly7Ser]VQYNYVYDED